The following is an entry in ClinVar:

ClinVar aggregate classification (germline): Benign; risk factor. Review status: no assertion criteria provided (0 of 4 stars). 2 submissions from 2 submitters: Benign (1). Last evaluated 2019-12-03.

Conditions:
FRZB-related disorder. Also called: FRZB-related condition.
Osteoarthritis susceptibility 1 (OS1). Also called: OSTEOARTHRITIS OF HIP, FEMALE-SPECIFIC, SUSCEPTIBILITY TO. Identifiers: MedGen C3887876, MONDO:0008143, OMIM 165720.

Allele frequency attached by ClinVar (database versions not stated): 1000 Genomes Project 0.12839; 1000 Genomes Project 30x 0.13445; TOPMed 0.13967.

Submissions (2):

PreventionGenetics, part of Exact Sciences
Classification: Benign for FRZB-related condition. Last evaluated: 2019-12-03. Review status: no assertion criteria provided. Collection method: clinical testing. Allele origin: germline.
Comment: This variant is classified as benign based on ACMG/AMP sequence variant interpretation guidelines (Richards et al. 2015 PMID: 25741868, with internal and published modifications).

OMIM
Classification: risk factor for OSTEOARTHRITIS SUSCEPTIBILITY 1. Last evaluated: 2004-06-29. Review status: no assertion criteria provided. Collection method: literature only. Allele origin: germline.

Literature cited by the submitters: PubMed 15210948 (cited by OMIM).

NM_001463.4(FRZB):c.970C>G (p.Arg324Gly)

Gene: FRZB (frizzled related protein; minus strand). Cytogenetic location: 2q32.1.
Variant type: single nucleotide variant.
Coding change: c.970C>G on transcript NM_001463.4 (MANE Select); coding-DNA position 970, C replaced by G.
Protein change: p.Arg324Gly; replaces arginine 324 with glycine.
Molecular consequence: missense variant.
Genome position (GRCh38, 1-based): chr2:182,834,857, G>C on the plus strand (C>G on the coding strand, the complement: FRZB is on the minus strand). VCF-style: chr2-182834857-G-C. GRCh37 (hg19) VCF-style: chr2-183699584-G-C.
Other names: c.970C>G (NM_001463.3); short protein forms R324G.
Identifiers: ClinVar variation 5220 (VCV000005220.3), dbSNP rs7775, ClinGen allele CA117342.
Genomic context (GRCh38, chr2:182,834,857, plus strand): 5'-GCAAGTAAGTCTTAATAGGAAGTCCACTGTGTTACTTTTTGTATTTCGGGATTTAGTTGC[G>C]TGCTTGCCGGGGGTTCGAGTTCCTGCCAGACTTCTGACTCTGAGTGGAATCACTATTGCT-3'
Protein context (NP_001454.2, residues 314-325): SGRNSNPRQA[Arg324Gly]N